The following is an entry in ClinVar:

NM_015166.4(MLC1):c.544G>A (p.Ala182Thr)

Gene: MLC1 (modulator of VRAC current 1; minus strand). Cytogenetic location: 22q13.33.
Variant type: single nucleotide variant.
Coding change: c.544G>A on transcript NM_015166.4 (MANE Select); coding-DNA position 544, G replaced by A.
Protein change: p.Ala182Thr; replaces alanine 182 with threonine.
Molecular consequence: missense variant. On other transcripts: non-coding transcript variant (3).
Genome position (GRCh38, 1-based): chr22:50,076,894, C>T on the plus strand (G>A on the coding strand, the complement: MLC1 is on the minus strand). VCF-style: chr22-50076894-C-T. GRCh37 (hg19) VCF-style: chr22-50515323-C-T.
Other names: c.544G>A, p.Ala182Thr (NM_001376472.1, NM_001376473.1, NM_001376474.1 and 6 more transcripts); c.454G>A, p.Ala152Thr (NM_001376480.1); c.442G>A, p.Ala148Thr (NM_001376481.1); c.388G>A, p.Ala130Thr (NM_001376482.1, NM_001376483.1); c.307G>A, p.Ala103Thr (NM_001376484.1); short protein forms A103T, A148T, A152T, A182T, A130T.
Identifiers: ClinVar variation 743148 (VCV000743148.18), dbSNP rs537457768, ClinGen allele CA10303474.

ClinVar aggregate classification (germline): Benign/Likely benign. Review status: criteria provided, multiple submitters, no conflicts (2 of 4 stars). 5 submissions from 5 submitters: Benign (1); Likely benign (2). 2 of the submissions do not count toward it. Last evaluated 2026-02-02.

Conditions:
MLC1-related disorder. Also called: MLC1-related condition.
Megalencephalic leukoencephalopathy with subcortical cysts 1 (MLC1). Also called: VACUOLATING MEGALENCEPHALIC LEUKOENCEPHALOPATHY WITH SUBCORTICAL CYSTS; LEUKOENCEPHALOPATHY WITH SWELLING AND CYSTS. Identifiers: Orphanet 2478, MedGen C5779875, MONDO:0024555, OMIM 604004.
Megalencephalic leukoencephalopathy with subcortical cysts. Also called: VAN DER KNAAP DISEASE. Identifiers: Orphanet 2478, MedGen C1858854, MONDO:0011391.

Allele frequency attached by ClinVar (database versions not stated): gnomAD 0.00002 and 0.00009; TOPMed 0.00007; gnomAD exomes 0.00019 and 0.00035; ExAC 0.00037; 1000 Genomes Project 0.00040; 1000 Genomes Project 30x 0.00047.
gnomAD v4.1: 283 of 1,613,906 alleles (0.018%); highest among the groups gnomAD compares: South Asian, 0.18%; 3 homozygotes.

Submissions (5):

Labcorp Genetics (formerly Invitae), Labcorp
Classification: Benign. Last evaluated: 2026-02-02. Review status: criteria provided, single submitter. Criteria: Invitae Variant Classification Sherloc (09022015). Collection method: clinical testing. Allele origin: germline.

Blueprint Genetics
Classification: Likely benign. Last evaluated: 2024-10-31. Review status: criteria provided, single submitter. Criteria: ACMG Guidelines, 2015. Collection method: clinical testing. Allele origin: germline.

Genome-Nilou Lab
Classification: Likely benign for Megalencephalic leukoencephalopathy with subcortical cysts 1. Last evaluated: 2021-07-14. Review status: criteria provided, single submitter. Criteria: ACMG Guidelines, 2015. Collection method: clinical testing. Allele origin: germline. Affected: no.

PreventionGenetics, part of Exact Sciences
Classification: Likely benign for MLC1-related condition. Last evaluated: 2023-07-16. Review status: no assertion criteria provided. Collection method: clinical testing. Allele origin: germline. Not counted in ClinVar's aggregate classification.
Comment: This variant is classified as likely benign based on ACMG/AMP sequence variant interpretation guidelines (Richards et al. 2015 PMID: 25741868, with internal and published modifications).

Natera, Inc.
Classification: Benign for Megalencephalic leukoencephalopathy with subcortical cysts. Last evaluated: 2020-04-28. Review status: no assertion criteria provided. Collection method: clinical testing. Allele origin: germline. Not counted in ClinVar's aggregate classification.